The following is an entry in ClinVar:

NM_053025.4(MYLK):c.1724C>T (p.Pro575Leu)

Gene: MYLK (myosin light chain kinase; minus strand). Cytogenetic location: 3q21.1.
Variant type: single nucleotide variant.
Coding change: c.1724C>T on transcript NM_053025.4 (MANE Select); coding-DNA position 1724, C replaced by T.
Protein change: p.Pro575Leu; replaces proline 575 with leucine.
Molecular consequence: missense variant.
Genome position (GRCh38, 1-based): chr3:123,722,208, G>A on the plus strand (C>T on the coding strand, the complement: MYLK is on the minus strand). VCF-style: chr3-123722208-G-A. GRCh37 (hg19) VCF-style: chr3-123441055-G-A.
Other names: c.1196C>T, p.Pro399Leu (NM_001321309.2); c.1517C>T, p.Pro506Leu (NM_053026.4, NM_053028.4); c.1724C>T, p.Pro575Leu (NM_053027.4); short protein forms P575L, P506L, P399L.
Identifiers: ClinVar variation 409697 (VCV000409697.16), dbSNP rs761639849, ClinGen allele CA067428.

ClinVar aggregate classification (germline): Uncertain significance. Review status: criteria provided, multiple submitters, no conflicts (2 of 4 stars). 6 submissions from 5 submitters: Uncertain significance (6). Last evaluated 2025-05-05.

Conditions:
Aortic aneurysm, familial thoracic 7 (AAT7). Also called: AORTIC DISSECTION, FAMILIAL, WITH OR WITHOUT AORTIC ANEURYSM. Identifiers: MedGen C3151077, MONDO:0013418, OMIM 613780.
Megacystis-microcolon-intestinal hypoperistalsis syndrome 1. Identifiers: MedGen C5542316, MONDO:0100354, OMIM 249210.
Familial thoracic aortic aneurysm and aortic dissection (TAAD). Also called: Thoracic aortic aneurysms and dissections. Identifiers: Orphanet 91387, MedGen C4707243, MONDO:0019625.

Allele frequency attached by ClinVar (database versions not stated): gnomAD 0.00003; TOPMed 0.00006; ExAC 0.00009.
gnomAD v4.1: 93 of 1,562,170 alleles (0.006%); highest among the groups gnomAD compares: South Asian, 0.024%; no homozygotes.

Submissions (6):

Ambry Genetics
Classification: Uncertain significance for Familial thoracic aortic aneurysm and aortic dissection. Last evaluated: 2025-05-05. Review status: criteria provided, single submitter. Criteria: Ambry Variant Classification Scheme 2023. Collection method: clinical testing. Allele origin: germline.
Comment: The p.P575L variant (also known as c.1724C>T), located in coding exon 10 of the MYLK gene, results from a C to T substitution at nucleotide position 1724. The proline at codon 575 is replaced by leucine, an amino acid with similar properties. This amino acid position is highly conserved in available vertebrate species. In addition, this alteration is predicted to be tolerated by in silico analysis. Since supporting evidence is limited at this time, the clinical significance of this alteration remains unclear.

Labcorp Genetics (formerly Invitae), Labcorp
Classification: Uncertain significance for Aortic aneurysm, familial thoracic 7. Last evaluated: 2025-01-23. Review status: criteria provided, single submitter. Criteria: Invitae Variant Classification Sherloc (09022015). Collection method: clinical testing. Allele origin: germline.
Comment: This sequence change replaces proline, which is neutral and non-polar, with leucine, which is neutral and non-polar, at codon 575 of the MYLK protein (p.Pro575Leu). This variant is present in population databases (rs761639849, gnomAD 0.02%). This variant has not been reported in the literature in individuals affected with MYLK-related conditions. ClinVar contains an entry for this variant (Variation ID: 409697). Invitae Evidence Modeling of protein sequence and biophysical properties (such as structural, functional, and spatial information, amino acid conservation, physicochemical variation, residue mobility, and thermodynamic stability) indicates that this missense variant is not expected to disrupt MYLK protein function with a negative predictive value of 80%. In summary, the available evidence is currently insufficient to determine the role of this variant in disease. Therefore, it has been classified as a Variant of Uncertain Significance.

GeneDx
Classification: Uncertain significance. Last evaluated: 2024-01-18. Review status: criteria provided, single submitter. Criteria: GeneDx Variant Classification Process June 2021. Collection method: clinical testing. Allele origin: germline. Affected: yes.
Comment: Has not been previously published as pathogenic or benign to our knowledge; In silico analysis supports that this missense variant has a deleterious effect on protein structure/function

Fulgent Genetics
Classification: Uncertain significance for Megacystis-microcolon-intestinal hypoperistalsis syndrome 1; Aortic aneurysm, familial thoracic 7. Last evaluated: 2021-07-22. Review status: criteria provided, single submitter. Criteria: ACMG Guidelines, 2015. Collection method: clinical testing. Allele origin: unknown.

Center for Genomics, Ann and Robert H. Lurie Children's Hospital of Chicago
Classification: Uncertain significance for Aortic aneurysm, familial thoracic 7. Last evaluated: 2018-11-30. Review status: criteria provided, single submitter. Criteria: ACMG Guidelines, 2015. Collection method: clinical testing. Allele origin: germline.
Comment: MYLK NM_053025.3 exon 13 p.Pro575Leu (c.1724C>T): This variant has not been reported in the literature but it is present in 0.01% (4/23476) of South Asian alleles in the Genome Aggregation Database. This variant is present in ClinVar (Variation ID:409697). Evolutionary conservation and computational predictive tools suggest that this variant may impact the protein. In summary, data on this variant is insufficient for disease classification. Therefore, the clinical significance of this variant is uncertain.

Center for Genomics, Ann and Robert H. Lurie Children's Hospital of Chicago
Classification: Uncertain significance for Megacystis-microcolon-intestinal hypoperistalsis syndrome 1; Aortic aneurysm, familial thoracic 7. Review status: criteria provided, single submitter. Criteria: ACMG Guidelines, 2015. Collection method: clinical testing. Allele origin: germline.
Comment: the same text as in the submission from Center for Genomics, Ann and Robert H. Lurie Children's Hospital of Chicago above.